The following is an entry in ClinVar:

ClinVar aggregate classification (germline): Uncertain significance (1 of 4 stars; one submission).

Conditions:
Early-infantile DEE. Also called: Early infantile epileptic encephalopathy; Early infantile epileptic encephalopathy with suppression bursts; Ohtahara syndrome. Identifiers: Orphanet 1934, MedGen C0393706, MONDO:0800491.

Allele frequency attached by ClinVar (database versions not stated): TOPMed below 0.00001; gnomAD 0.00001.
gnomAD v4.1: 1 of 1,613,580 alleles (0.000062%); highest among the groups gnomAD compares: East Asian, 0.0022%; no homozygotes.

Submission:

Labcorp Genetics (formerly Invitae), Labcorp
Classification: Uncertain significance for Early-infantile DEE. Last evaluated: 2024-10-28. Review status: criteria provided, single submitter. Criteria: Invitae Variant Classification Sherloc (09022015). Collection method: clinical testing. Allele origin: germline.
Comment: This sequence change replaces leucine, which is neutral and non-polar, with phenylalanine, which is neutral and non-polar, at codon 451 of the SCN1A protein (p.Leu451Phe). This variant is not present in population databases (gnomAD no frequency). This variant has not been reported in the literature in individuals affected with SCN1A-related conditions. Invitae Evidence Modeling of protein sequence and biophysical properties (such as structural, functional, and spatial information, amino acid conservation, physicochemical variation, residue mobility, and thermodynamic stability) indicates that this missense variant is not expected to disrupt SCN1A protein function with a negative predictive value of 95%. In summary, the available evidence is currently insufficient to determine the role of this variant in disease. Therefore, it has been classified as a Variant of Uncertain Significance.

NM_001165963.4(SCN1A):c.1351C>T (p.Leu451Phe)

Gene: SCN1A (sodium voltage-gated channel alpha subunit 1; minus strand). Cytogenetic location: 2q24.3.
Variant type: single nucleotide variant.
Coding change: c.1351C>T on transcript NM_001165963.4 (MANE Select); coding-DNA position 1351, C replaced by T.
Protein change: p.Leu451Phe; replaces leucine 451 with phenylalanine.
Molecular consequence: missense variant. On other transcripts: 5 prime UTR variant (1), non-coding transcript variant (1).
Genome position (GRCh38, 1-based): chr2:166,046,796, G>A on the plus strand (C>T on the coding strand, the complement: SCN1A is on the minus strand). VCF-style: chr2-166046796-G-A. GRCh37 (hg19) VCF-style: chr2-166903306-G-A.
Other names: c.1351C>T, p.Leu451Phe (NM_001353950.2, NM_001353951.2, NM_001353952.2 and 10 more transcripts); c.-1075C>T (NM_001353961.2); short protein forms L451F.
Identifiers: ClinVar variation 2787531 (VCV002787531.3), dbSNP rs752256219, ClinGen allele CA349070343.